The following is an entry in ClinVar:

ClinVar aggregate classification (germline): Uncertain significance. Review status: criteria provided, single submitter (1 of 4 stars). 2 submissions from 2 submitters: Uncertain significance (1). 1 of the submissions does not count toward it. Last evaluated 2023-12-12.

Conditions:
Autism spectrum disorder. Also called: Autism spectrum disorders. Identifiers: MedGen C1510586, MeSH D000067877, MONDO:0005258.

Submissions (2):

GeneDx
Classification: Uncertain significance. Last evaluated: 2023-12-12. Review status: criteria provided, single submitter. Criteria: GeneDx Variant Classification Process June 2021. Collection method: clinical testing. Allele origin: germline. Affected: yes.
Comment: Has not been previously published as pathogenic or benign to our knowledge; Frameshift variant predicted to result in abnormal protein length as the last 159 amino acids are replaced with 28 different amino acids in a gene for which loss-of-function is not an established mechanism of disease; Not observed at significant frequency in large population cohorts (gnomAD); Variants in candidate genes are classified as variants of uncertain significance in accordance with ACMG guidelines (PMID: 25741868)

Department of Medical Genetics, Capital Institute of Pediatrics
Classification: Pathogenic for Autism Spectrum Disorder. Last evaluated: 2024-07-03. Review status: no assertion criteria provided. Collection method: research. Allele origin: de novo. Affected: yes. Not counted in ClinVar's aggregate classification.
Comment: PVS1+PM2_Supporting+PS2

Literature cited by the submitters: PubMed 39419027 (cited by Department of Medical Genetics, Capital Institute of Pediatrics).

NM_001039469.3(MARK2):c.1888dup (p.Ala630fs)

Gene: MARK2 (microtubule affinity regulating kinase 2; plus strand). Cytogenetic location: 11q13.1.
Variant type: Duplication.
Coding change: c.1888dup on transcript NM_001039469.3 (MANE Select); coding-DNA position 1888, one base duplicated (G; older notation c.1888dupG).
Protein change: p.Ala630fs; shifts the reading frame from alanine 630.
Molecular consequence: frameshift variant.
Genome position (GRCh38, 1-based): chr11:63,904,997, G duplicated; the last of 6 consecutive G bases (chr11:63,904,992-63,904,997); duplicating any one gives the same sequence. VCF-style (leftmost placement, unchanged base first): chr11-63904991-C-CG. GRCh37 (hg19) VCF-style: chr11-63672463-C-CG.
Other names: c.1888dup (NM_001039469.2); c.1888_1889insG (NM_001039469.3); c.1726dup, p.Ala576fs (NM_001163296.2); c.1723dup, p.Ala575fs (NM_001163297.2, NM_004954.5); c.1786dup, p.Ala596fs (NM_017490.4); short protein forms A575fs, A576fs, A596fs, A630fs.
Identifiers: ClinVar variation 3253635 (VCV003253635.3), dbSNP rs2539335876.